The following is an entry in ClinVar:

NM_000359.3(TGM1):c.2090dup (p.Leu697fs)

Gene: TGM1 (transglutaminase 1; minus strand). Cytogenetic location: 14q12.
Variant type: Duplication.
Coding change: c.2090dup on transcript NM_000359.3 (MANE Select); coding-DNA position 2090, one base duplicated (T; older notation c.2090dupT).
Protein change: p.Leu697fs; shifts the reading frame from leucine 697.
Molecular consequence: frameshift variant.
Genome position (GRCh38, 1-based): chr14:24,254,287, A duplicated on the plus strand (T on the coding strand, the reverse complement: TGM1 is on the minus strand); the first of 2 consecutive A bases (chr14:24,254,287-24,254,288); duplicating either gives the same sequence. VCF-style (leftmost placement, unchanged base first): chr14-24254286-T-TA. GRCh37 (hg19) VCF-style: chr14-24723492-T-TA.
Other names: short protein forms L697fs.
Identifiers: ClinVar variation 2823666 (VCV002823666.3), dbSNP rs2502491950, ClinGen allele CA2739277829.

ClinVar aggregate classification (germline): Pathogenic (1 of 4 stars; one submission).

Submission:

Labcorp Genetics (formerly Invitae), Labcorp
Classification: Pathogenic. Last evaluated: 2023-03-12. Review status: criteria provided, single submitter. Criteria: Invitae Variant Classification Sherloc (09022015). Collection method: clinical testing. Allele origin: germline.
Comment: This variant is not present in population databases (gnomAD no frequency). This sequence change creates a premature translational stop signal (p.Leu697Phefs*12) in the TGM1 gene. It is expected to result in an absent or disrupted protein product. Loss-of-function variants in TGM1 are known to be pathogenic (PMID: 18948357, 19241467). This variant has not been reported in the literature in individuals affected with TGM1-related conditions. For these reasons, this variant has been classified as Pathogenic.

Literature cited by the submitters: PubMed 18948357; PubMed 19241467.